The following is an entry in ClinVar:

NM_001128840.3(CACNA1D):c.6325G>C (p.Gly2109Arg)

Gene: CACNA1D (calcium voltage-gated channel subunit alpha1 D; plus strand). Cytogenetic location: 3p21.1.
Variant type: single nucleotide variant.
Coding change: c.6325G>C on transcript NM_001128840.3 (MANE Select); coding-DNA position 6325, G replaced by C.
Protein change: p.Gly2109Arg; replaces glycine 2109 with arginine.
Molecular consequence: missense variant.
Genome position (GRCh38, 1-based): chr3:53,811,245, G>C. VCF-style: chr3-53811245-G-C. GRCh37 (hg19) VCF-style: chr3-53845272-G-C.
Other names: c.6385G>C, p.Gly2129Arg (NM_000720.4); c.6253G>C, p.Gly2085Arg (NM_001128839.3); short protein forms G2085R, G2109R, G2129R.
Identifiers: ClinVar variation 2504348 (VCV002504348.2), dbSNP rs1188572161, ClinGen allele CA353259253.
Genomic context (GRCh38, chr3:53,811,245, plus strand): 5'-GCTGATGCCTGTGACCTCACCATCGACGAGATGGAGAGTGCAGCCAGCACCCTGCTTAAT[G>C]GGAACGTGCGTCCCCGAGCCAACGGGGATGTGGGCCCCCTCTCACACCGGCAGGACTATG-3'
Protein context (NP_001122312.1, residues 2099-2119): MESAASTLLN[Gly2109Arg]NVRPRANGDV

ClinVar aggregate classification (germline): Uncertain significance (1 of 4 stars; one submission).

Submission:

GeneDx
Classification: Uncertain significance. Last evaluated: 2026-08-09. Review status: criteria provided, single submitter. Criteria: GeneDx Variant Classification Process June 2021. Collection method: clinical testing. Allele origin: germline.
Comment: Not observed at significant frequency in large population cohorts (gnomAD); In silico analysis supports that this missense variant has a deleterious effect on protein structure/function; Has not been previously published as pathogenic or benign to our knowledge